The following is an entry in ClinVar:

NM_001009944.3(PKD1):c.22_25dup (p.Leu9fs)

Gene: PKD1 (polycystin 1, transient receptor potential channel interacting; minus strand). Cytogenetic location: 16p13.3.
Variant type: Microsatellite.
Coding change: c.22_25dup on transcript NM_001009944.3 (MANE Select); coding-DNA positions 22 to 25, 4 bases duplicated (CGCC; older notation c.22_25dupCGCC).
Protein change: p.Leu9fs; shifts the reading frame from leucine 9.
Molecular consequence: frameshift variant.
Genome position (GRCh38, 1-based): chr16:2,135,665-2,135,668, GGCG duplicated on the plus strand (CGCC on the coding strand, the reverse complement: PKD1 is on the minus strand); duplicating any 4 consecutive bases within chr16:2,135,665-2,135,676 gives the same sequence; the c. name uses the placement nearest the transcript's 3' end. VCF-style (leftmost placement, unchanged base first): chr16-2135664-A-AGGCG. GRCh37 (hg19) VCF-style: chr16-2185665-A-AGGCG.
Other names: c.22_25dup, p.Leu9fs (NM_000296.4); c.22_25dupCGCC (NM_001009944.3); short protein forms L9fs.
Identifiers: ClinVar variation 4531244 (VCV004531244.2).
Genomic context (GRCh38, chr16:2,135,664, plus strand): 5'-CCGCGCCCGGGGCCCCCCGCCAGCGCCCCGAGCCACAGGCCCAGGCCCAGGGCCAGCGCC[A>AGGCG]GGCGGGCGGGCGCGGCGGGCGGCATCGTTAGGGCAGCGCGCGCATGGCCCCGCCGTCCCC-3'

ClinVar aggregate classification (germline): Pathogenic/Likely pathogenic. Review status: criteria provided, multiple submitters, no conflicts (2 of 4 stars). 2 submissions from 2 submitters: Pathogenic (1); Likely pathogenic (1). Last evaluated 2026-02-04.

Conditions:
Polycystic kidney disease, adult type (PKD1). Also called: Polycystic Kidney Disease 1, Autosomal Dominant; Polycystic kidney disease 1; Polycystic kidney disease 1, severe; Polycystic Kidney, Autosomal Dominant; POLYCYSTIC KIDNEY DISEASE 1 WITH OR WITHOUT POLYCYSTIC LIVER DISEASE; POLYCYSTIC KIDNEY DISEASE, ADULT, TYPE I. Identifiers: MedGen C3149841, MONDO:0008263, OMIM 173900.

Submissions (2):

Women's Health and Genetics/Laboratory Corporation of America, LabCorp
Classification: Pathogenic for Polycystic kidney disease, adult type. Last evaluated: 2026-02-04. Review status: criteria provided, single submitter. Criteria: LabCorp Variant Classification Summary - May 2015. Collection method: clinical testing. Allele origin: germline.
Comment: Variant summary: PKD1 c.22_25dupCGCC (p.Leu9ProfsX106) results in a premature termination codon, predicted to cause a truncation of the encoded protein or absence of the protein due to nonsense mediated decay, which are commonly known mechanisms for disease. The variant was absent in 24444 control chromosomes. c.22_25dupCGCC has been observed in individuals affected with autosomal dominant Polycystic Kidney Disease 1 (example: Elhassan_2023). These data indicate that the variant is associated with disease. The following publications have been ascertained in the context of this evaluation (PMID: 36186434, 38481516). ClinVar contains an entry for this variant (Variation ID: 4531244). Based on the evidence outlined above, the variant was classified as pathogenic.

Juno Genomics, Hangzhou Juno Genomics, Inc
Classification: Likely pathogenic for Polycystic kidney disease, adult type. Review status: criteria provided, single submitter. Criteria: ACMG Guidelines, 2015. Collection method: clinical testing. Allele origin: germline. Affected: yes.
Comment: Absent from controls (or at extremely low frequency if recessive) in Genome Aggregation Database, Exome Sequencing Project, 1000 Genomes Project, or Exome Aggregation Consortium.;Null variant in a gene where loss of function (LOF) is a known mechanism of disease.

Literature cited by the submitters: PubMed 38481516 (cited by Women's Health and Genetics/Laboratory Corporation of America, LabCorp); PubMed 36186434 (cited by Women's Health and Genetics/Laboratory Corporation of America, LabCorp).